The following is an entry in ClinVar:

ClinVar aggregate classification (germline): Conflicting classifications of pathogenicity. Review status: criteria provided, conflicting classifications (1 of 4 stars). 3 submissions from 3 submitters: Uncertain significance (2); Likely benign (1). Last evaluated 2023-10-17.

Conditions:
Inborn genetic diseases. Identifiers: MedGen C0950123, MeSH D030342.

gnomAD v4.1: 9 of 1,613,368 alleles (0.00056%); highest among the groups gnomAD compares: Admixed American, 0.013%; no homozygotes.

Submissions (3):

Ambry Genetics
Classification: Uncertain significance for Inborn genetic diseases. Last evaluated: 2023-10-17. Review status: criteria provided, single submitter. Criteria: Ambry Variant Classification Scheme 2023. Collection method: clinical testing. Allele origin: germline.

Labcorp Genetics (formerly Invitae), Labcorp
Classification: Uncertain significance. Last evaluated: 2021-09-18. Review status: criteria provided, single submitter. Criteria: Invitae Variant Classification Sherloc (09022015). Collection method: clinical testing. Allele origin: germline.
Comment: Algorithms developed to predict the effect of sequence changes on RNA splicing suggest that this variant may create or strengthen a splice site. Algorithms developed to predict the effect of missense changes on protein structure and function (SIFT, PolyPhen-2, Align-GVGD) all suggest that this variant is likely to be tolerated. ClinVar contains an entry for this variant (Variation ID: 215119). This variant has not been reported in the literature in individuals affected with SCO1-related conditions. This variant is present in population databases (rs751482122, ExAC 0.03%). This sequence change replaces glycine with valine at codon 9 of the SCO1 protein (p.Gly9Val). The glycine residue is weakly conserved and there is a moderate physicochemical difference between glycine and valine. In summary, the available evidence is currently insufficient to determine the role of this variant in disease. Therefore, it has been classified as a Variant of Uncertain Significance.

GeneDx
Classification: Likely benign. Last evaluated: 2012-09-26. Review status: criteria provided, single submitter. Criteria: GeneDx Variant Classification (06012015). Collection method: clinical testing. Allele origin: germline. Affected: yes.
Comment: This variant is considered likely benign or benign based on one or more of the following criteria: it is a conservative change, it occurs at a poorly conserved position in the protein, it is predicted to be benign by multiple in silico algorithms, and/or has population frequency not consistent with disease.

NM_004589.4(SCO1):c.26G>T (p.Gly9Val)

Genes: SCO1 (synthesis of cytochrome C oxidase 1; minus strand), LOC112529895 (Sharpr-MPRA regulatory region 5903; plus strand). Cytogenetic location: 17p13.1.
Variant type: single nucleotide variant.
Coding change: c.26G>T on transcript NM_004589.4 (MANE Select); coding-DNA position 26, G replaced by T.
Protein change: p.Gly9Val; replaces glycine 9 with valine.
Molecular consequence: missense variant.
Genome position (GRCh38, 1-based): chr17:10,697,482, C>A on the plus strand (G>T on the coding strand, the complement: SCO1 is on the minus strand). VCF-style: chr17-10697482-C-A. GRCh37 (hg19) VCF-style: chr17-10600799-C-A.
Other names: short protein forms G9V.
Identifiers: ClinVar variation 215119 (VCV000215119.6), dbSNP rs751482122, ClinGen allele CA321564.